The following is an entry in ClinVar:

NM_001151.4(SLC25A4):c.46_47del (p.Gly16fs)

Gene: SLC25A4 (solute carrier family 25 member 4; plus strand). Cytogenetic location: 4q35.1.
Variant type: Deletion.
Coding change: c.46_47del on transcript NM_001151.4 (MANE Select); coding-DNA positions 46 to 47, 2 bases deleted (GG; older notation c.46_47delGG).
Protein change: p.Gly16fs; shifts the reading frame from glycine 16.
Molecular consequence: frameshift variant.
Genome position (GRCh38, 1-based): chr4:185,143,418-185,143,419, GG deleted; deleting any 2 consecutive bases within chr4:185,143,415-185,143,419 gives the same sequence; the c. name uses the placement nearest the transcript's 3' end. VCF-style (leftmost placement, unchanged base first): chr4-185143414-CGG-C. GRCh37 (hg19) VCF-style: chr4-186064568-CGG-C.
Other names: short protein forms G16fs.
Identifiers: ClinVar variation 3572858 (VCV003572858.1).
Genomic context (GRCh38, chr4:185,143,414, plus strand): 5'-AGAGCGTCGAGCTGTCACCATGGGTGATCACGCTTGGAGCTTCCTAAAGGACTTCCTGGC[CGG>C]GGGCGTCGCCGCTGCCGTCTCCAAGACCGCGGTCGCCCCCATCGAGAGGGTCAAACTGCT-3'

ClinVar aggregate classification (germline): Likely pathogenic (1 of 4 stars; one submission).

Conditions:
Mitochondrial DNA depletion syndrome 12B (cardiomyopathic type), autosomal recessive. Also called: Mitochondrial DNA depletion syndrome 12B (cardiomyopathic type) AR. Identifiers: Orphanet 1369, MedGen C3809443, MONDO:0014175, OMIM 615418.

Submission:

Clinical Genomics Laboratory, Stanford Medicine
Classification: Likely pathogenic for Mitochondrial DNA depletion syndrome 12B (cardiomyopathic type), autosomal recessive. Last evaluated: 2022-12-19. Review status: criteria provided, single submitter. Criteria: ACMG Guidelines, 2015. Collection method: clinical testing. Allele origin: germline. Inheritance: Autosomal recessive inheritance. Observed: 1 variant allele, 1 heterozygote.
Comment: The p.Gly16Argfs*32 variant in the SLC25A4 gene has not been previously reported in association with disease. This variant was absent from large population databases, including the Genome Aggregation Database. This variant results in a 2 bp deletion, which causes a shift in the protein reading frame, leading to a premature termination codon 32 amino acids downstream. Loss of function is an established mechanism of disease for the SLC25A4 gene. These data were assessed using the ACMG/AMP variant interpretation guidelines. In summary, there is sufficient evidence to classify the p.Gly16Argfs*32 variant as likely pathogenic for mitochondrial DNA depletion syndrome in an autosomal recessive manner based on the information above. [ACMG evidence codes used: PVS1; PM2]